The following is an entry in ClinVar:

ClinVar aggregate classification (germline): Uncertain significance (1 of 4 stars; one submission).

Allele frequency attached by ClinVar (database versions not stated): TOPMed below 0.00001.

Submission:

Labcorp Genetics (formerly Invitae), Labcorp
Classification: Uncertain significance. Last evaluated: 2021-07-14. Review status: criteria provided, single submitter. Criteria: Invitae Variant Classification Sherloc (09022015). Collection method: clinical testing. Allele origin: germline.
Comment: This sequence change replaces glutamic acid with aspartic acid at codon 26 of the LMF1 protein (p.Glu26Asp). The glutamic acid residue is weakly conserved and there is a small physicochemical difference between glutamic acid and aspartic acid. This variant is not present in population databases (ExAC no frequency). This variant has not been reported in the literature in individuals affected with LMF1-related conditions. Algorithms developed to predict the effect of missense changes on protein structure and function (SIFT, PolyPhen-2, Align-GVGD) all suggest that this variant is likely to be tolerated. In summary, the available evidence is currently insufficient to determine the role of this variant in disease. Therefore, it has been classified as a Variant of Uncertain Significance.

NM_022773.4(LMF1):c.78G>C (p.Glu26Asp)

Genes: LMF1 (lipase maturation factor 1; minus strand), LOC130058141 (ATAC-STARR-seq lymphoblastoid silent region 6962; plus strand). Cytogenetic location: 16p13.3.
Variant type: single nucleotide variant.
Coding change: c.78G>C on transcript NM_022773.4 (MANE Select); coding-DNA position 78, G replaced by C.
Protein change: p.Glu26Asp; replaces glutamic acid 26 with aspartic acid.
Molecular consequence: missense variant. On other transcripts: 5 prime UTR variant (1), non-coding transcript variant (1), intron variant (3).
Genome position (GRCh38, 1-based): chr16:970,903, C>G on the plus strand (G>C on the coding strand, the complement: LMF1 is on the minus strand). VCF-style: chr16-970903-C-G. GRCh37 (hg19) VCF-style: chr16-1020903-C-G.
Other names: c.78G>C, p.Glu26Asp (NM_001352020.1); c.-628G>C (NM_001352021.2); c.-135+10242G>C (NM_001352019.2); c.-611+10242G>C (NM_001352017.2); c.-362+10242G>C (NM_001352018.2); short protein forms E26D.
Identifiers: ClinVar variation 1365546 (VCV001365546.8), dbSNP rs1187078581, ClinGen allele CA394111511.